The following is an entry in ClinVar:

ClinVar aggregate classification (germline): Uncertain significance. Review status: criteria provided, multiple submitters, no conflicts (2 of 4 stars). 3 submissions from 3 submitters: Uncertain significance (3). Last evaluated 2025-08-11.

Conditions:
Bardet-Biedl syndrome (BBS). Identifiers: Orphanet 110, MedGen C0752166, MONDO:0015229.
Inborn genetic diseases. Identifiers: MedGen C0950123, MeSH D030342.
Sarcotubular myopathy (LGMDR8). Also called: Autosomal recessive limb-girdle muscular dystrophy type 2H; MUSCULAR DYSTROPHY, LIMB-GIRDLE, AUTOSOMAL RECESSIVE 8; Hutterite type of muscular dystrophy; Limb-girdle muscular dystrophy, type 2H. Identifiers: Orphanet 1878, MedGen C0270968, MONDO:0009683, OMIM 254110.
Bardet-Biedl syndrome 11 (BBS11). Identifiers: Orphanet 110, MedGen C1859569, MONDO:0014439, OMIM 615988.

Allele frequency attached by ClinVar (database versions not stated): ExAC 0.00001; gnomAD exomes 0.00001.
gnomAD v4.1: 15 of 1,614,196 alleles (0.00093%); highest among the groups gnomAD compares: South Asian, 0.0099%; no homozygotes.

Submissions (3):

Ambry Genetics
Classification: Uncertain significance for Inborn genetic diseases. Last evaluated: 2025-08-11. Review status: criteria provided, single submitter. Criteria: Ambry Variant Classification Scheme 2023. Collection method: clinical testing. Allele origin: germline.

Labcorp Genetics (formerly Invitae), Labcorp
Classification: Uncertain significance for Bardet-Biedl syndrome. Last evaluated: 2024-10-29. Review status: criteria provided, single submitter. Criteria: Invitae Variant Classification Sherloc (09022015). Collection method: clinical testing. Allele origin: germline.
Comment: This sequence change replaces asparagine, which is neutral and polar, with serine, which is neutral and polar, at codon 79 of the TRIM32 protein (p.Asn79Ser). This variant is present in population databases (rs775738712, gnomAD 0.006%). This variant has not been reported in the literature in individuals affected with TRIM32-related conditions. ClinVar contains an entry for this variant (Variation ID: 860141). An algorithm developed to predict the effect of missense changes on protein structure and function (PolyPhen-2) suggests that this variant is likely to be disruptive. In summary, the available evidence is currently insufficient to determine the role of this variant in disease. Therefore, it has been classified as a Variant of Uncertain Significance.

Fulgent Genetics
Classification: Uncertain significance for Sarcotubular myopathy; Bardet-Biedl syndrome 11. Last evaluated: 2024-05-24. Review status: criteria provided, single submitter. Criteria: ACMG Guidelines, 2015. Collection method: clinical testing. Allele origin: germline.

NM_012210.4(TRIM32):c.236A>G (p.Asn79Ser)

Genes: ASTN2 (astrotactin 2; minus strand), TRIM32 (tripartite motif containing 32; plus strand). Cytogenetic location: 9q33.1.
Variant type: single nucleotide variant.
Coding change: c.236A>G on transcript NM_012210.4 (MANE Select); coding-DNA position 236, A replaced by G.
Protein change: p.Asn79Ser; replaces asparagine 79 with serine.
Molecular consequence: missense variant. On other transcripts: intron variant (3).
Genome position (GRCh38, 1-based): chr9:116,697,978, A>G. VCF-style: chr9-116697978-A-G. GRCh37 (hg19) VCF-style: chr9-119460257-A-G.
Other names: c.236A>G, p.Asn79Ser (NM_001099679.2, NM_001379048.1, NM_001379049.1 and 1 more transcripts); c.2653+27793T>C (NM_014010.5); c.2794+27793T>C (NM_001365069.1); c.2806+27793T>C (NM_001365068.1); short protein forms N79S.
Identifiers: ClinVar variation 860141 (VCV000860141.10), dbSNP rs775738712, ClinGen allele CA5210926.